The following is an entry in ClinVar:

NM_139276.3(STAT3):c.1618T>G (p.Ser540Ala)

Gene: STAT3 (signal transducer and activator of transcription 3; minus strand). Cytogenetic location: 17q21.2.
Variant type: single nucleotide variant.
Coding change: c.1618T>G on transcript NM_139276.3 (MANE Select); coding-DNA position 1618, T replaced by G.
Protein change: p.Ser540Ala; replaces serine 540 with alanine.
Molecular consequence: missense variant.
Genome position (GRCh38, 1-based): chr17:42,323,608, A>C on the plus strand (T>G on the coding strand, the complement: STAT3 is on the minus strand). VCF-style: chr17-42323608-A-C. GRCh37 (hg19) VCF-style: chr17-40475626-A-C.
Other names: c.1618T>G, p.Ser540Ala (NM_001369512.1, NM_001369513.1, NM_001369514.1 and 10 more transcripts); c.1534T>G, p.Ser512Ala (NM_001384984.1); c.1540T>G, p.Ser514Ala (NM_001384985.1); c.1633T>G, p.Ser545Ala (NM_001384986.1, NM_001384990.1); c.1597T>G, p.Ser533Ala (NM_001384987.1); c.1522T>G, p.Ser508Ala (NM_001384989.1); c.1558T>G, p.Ser520Ala (NM_001384992.1); short protein forms S508A, S512A, S514A, S520A, S533A, S540A, S545A.
Identifiers: ClinVar variation 3749417 (VCV003749417.2).
Genomic context (GRCh38, chr17:42,323,608, plus strand): 5'-ACGAGAATTTAACAAGATTGCTTACTTTGCAAAATTTAGCCCATGTGATCTGACACCCTG[A>C]ATAATTCACACCAGGTCCTGAAGGAAAGAAAAAGAGTCAAGTAGTACATTTTCAGCTTGG-3'
Protein context (NP_644805.1, residues 530-550): EKLLGPGVNY[Ser540Ala]GCQITWAKFC

ClinVar aggregate classification (germline): Uncertain significance (1 of 4 stars; one submission).

Conditions:
Hyper-IgE recurrent infection syndrome 1, autosomal dominant. Also called: STAT3 Hyper IgE Syndrome; Hyper-IgE recurrent infection syndrome 1; JOB SYNDROME; Job's Syndrome; HYPER-IgE SYNDROME 1, AUTOSOMAL DOMINANT, WITH RECURRENT INFECTIONS. Identifiers: Orphanet 2314, MedGen C2936739, MONDO:0007818, OMIM 147060.
STAT3 gain of function. Identifiers: MedGen C4288261.

Submission:

Labcorp Genetics (formerly Invitae), Labcorp
Classification: Uncertain significance for STAT3 gain of function; Hyper-IgE recurrent infection syndrome 1, autosomal dominant. Last evaluated: 2024-02-06. Review status: criteria provided, single submitter. Criteria: Invitae Variant Classification Sherloc (09022015). Collection method: clinical testing. Allele origin: germline.
Comment: This sequence change replaces serine, which is neutral and polar, with alanine, which is neutral and non-polar, at codon 540 of the STAT3 protein (p.Ser540Ala). This variant is not present in population databases (gnomAD no frequency). This variant has not been reported in the literature in individuals affected with STAT3-related conditions. Advanced modeling of protein sequence and biophysical properties (such as structural, functional, and spatial information, amino acid conservation, physicochemical variation, residue mobility, and thermodynamic stability) performed at Invitae indicates that this missense variant is not expected to disrupt STAT3 protein function with a negative predictive value of 80%. In summary, the available evidence is currently insufficient to determine the role of this variant in disease. Therefore, it has been classified as a Variant of Uncertain Significance.